The following is an entry in ClinVar:

NM_000277.3(PAH):c.682G>T (p.Glu228Ter)

Gene: PAH (phenylalanine hydroxylase; minus strand). Cytogenetic location: 12q23.2.
Variant type: single nucleotide variant.
Coding change: c.682G>T on transcript NM_000277.3 (MANE Select); coding-DNA position 682, G replaced by T.
Protein change: p.Glu228Ter; replaces glutamic acid 228 with a stop codon.
Molecular consequence: nonsense.
Genome position (GRCh38, 1-based): chr12:102,855,160, C>A on the plus strand (G>T on the coding strand, the complement: PAH is on the minus strand). VCF-style: chr12-102855160-C-A. GRCh37 (hg19) VCF-style: chr12-103248938-C-A.
Other names: c.682G>T, p.Glu228Ter (NM_001354304.2); short protein forms E228*.
Identifiers: ClinVar variation 987754 (VCV000987754.2), dbSNP rs281865444, ClinGen allele CA16020838.

ClinVar aggregate classification (germline): Pathogenic. Review status: reviewed by expert panel (3 of 4 stars). 2 submissions from 2 submitters: Pathogenic (1). 1 of the submissions does not count toward it. Last evaluated 2020-10-30.

Conditions:
Phenylketonuria (PKU). Also called: OLIGOPHRENIA PHENYLPYRUVICA; Phenylketonuria (PKU); Phenylketonurias; FOLLING DISEASE. Identifiers: Orphanet 716, MedGen C0031485, MONDO:0009861, OMIM 261600. Disease mechanism: loss of function.

Submissions (2):

ClinGen PAH Variant Curation Expert Panel
Classification: Pathogenic for Phenylketonuria. Last evaluated: 2020-10-30. Review status: reviewed by expert panel. Criteria: ClinGen PAH ACMG Specifications v1. Collection method: curation. Allele origin: germline. Inheritance: Autosomal recessive inheritance.
Comment: The nonsense variant c.682G>T (p.Glu228Ter) generates a stop codon in exon 6 of 13 and is predicted to undergo NMD. The variant is absent from population databases, including gnomAD. It has been reported in at least one compound heterozygous patient with classical PKU (PMID: 24401910), in trans with VUS variant Val190Gly. In summary, this variant meets criteria to be classified as Pathogenic for PAH. PAH-specific ACMG/AMP criteria applied: PVS1, PM2, PP4.

Labcorp Genetics (formerly Invitae), Labcorp
Classification: Pathogenic for Phenylketonuria. Last evaluated: 2025-12-29. Review status: criteria provided, single submitter. Criteria: Invitae Variant Classification Sherloc (09022015). Collection method: clinical testing. Allele origin: germline. Not counted in ClinVar's aggregate classification.
Comment: This sequence change creates a premature translational stop signal (p.Glu228*) in the PAH gene. It is expected to result in an absent or disrupted protein product. Loss-of-function variants in PAH are known to be pathogenic (PMID: 1301187, 9634518). This variant is not present in population databases (gnomAD no frequency). This premature translational stop signal has been observed in individual(s) with phenylketonuria (PMID: 19915519, 24401910, 32668217). ClinVar contains an entry for this variant (Variation ID: 987754). Algorithms developed to predict the effect of sequence changes on RNA splicing suggest that this variant may disrupt the consensus splice site. For these reasons, this variant has been classified as Pathogenic.

Literature cited by the submitters: PubMed 1301187 (cited by Labcorp Genetics (formerly Invitae), Labcorp); PubMed 9634518 (cited by Labcorp Genetics (formerly Invitae), Labcorp); PubMed 19915519 (cited by Labcorp Genetics (formerly Invitae), Labcorp); PubMed 24401910 (cited by Labcorp Genetics (formerly Invitae), Labcorp); PubMed 32668217 (cited by Labcorp Genetics (formerly Invitae), Labcorp).